The following is an entry in ClinVar:

NM_000246.4(CIITA):c.1230G>A (p.Pro410=)

Gene: CIITA (class II major histocompatibility complex transactivator; plus strand). Cytogenetic location: 16p13.13.
Variant type: single nucleotide variant.
Coding change: c.1230G>A on transcript NM_000246.4 (MANE Select); coding-DNA position 1230, G replaced by A.
Protein change: p.Pro410=; no amino-acid change (proline 410 retained).
Molecular consequence: synonymous variant. On other transcripts: intron variant (1).
Genome position (GRCh38, 1-based): chr16:10,906,722, G>A. VCF-style: chr16-10906722-G-A. GRCh37 (hg19) VCF-style: chr16-11000579-G-A.
Other names: c.1233G>A, p.Pro411= (NM_001286402.1, NM_001379332.1); c.1086G>A, p.Pro362= (NM_001379330.1); c.1083G>A, p.Pro361= (NM_001379331.1); c.1230G>A, p.Pro410= (NM_001379333.1); c.1161G>A, p.Pro387= (NM_001379334.1); c.859+1910G>A (NM_001286403.2).
Identifiers: ClinVar variation 102993 (VCV000102993.18), dbSNP rs199476069, ClinGen allele CA229959.

ClinVar aggregate classification (germline): Benign/Likely benign. Review status: criteria provided, multiple submitters, no conflicts (2 of 4 stars). 4 submissions from 4 submitters: Benign (1); Likely benign (1). 2 of the submissions do not count toward it. Last evaluated 2026-02-04.

Conditions:
MHC class II deficiency. Also called: Bare lymphocyte syndrome 2; BLS, TYPE II. Identifiers: Orphanet 572, MedGen C5447452, MONDO:0008855.

Allele frequency attached by ClinVar (database versions not stated): gnomAD exomes 0.00019 and 0.00037; TOPMed 0.00024; gnomAD 0.00019 and 0.00014; 1000 Genomes Project 0.00080; ExAC 0.00034; 1000 Genomes Project 30x 0.00062.
gnomAD v4.1: 295 of 1,611,098 alleles (0.018%); highest among the groups gnomAD compares: East Asian, 0.56%; 2 homozygotes.

Submissions (5):

Labcorp Genetics (formerly Invitae), Labcorp
Classification: Benign for MHC class II deficiency. Last evaluated: 2026-02-04. Review status: criteria provided, single submitter. Criteria: Invitae Variant Classification Sherloc (09022015). Collection method: clinical testing. Allele origin: germline.

Illumina Laboratory Services, Illumina
Classification: Likely benign for MHC class II deficiency 1. Last evaluated: 2018-01-13. Review status: criteria provided, single submitter. Criteria: ICSL Variant Classification Criteria 13 December 2019. Collection method: clinical testing. Allele origin: germline.
Comment: This variant was observed in the ICSL laboratory as part of a predisposition screen in an ostensibly healthy population. It had not been previously curated by ICSL or reported in the Human Gene Mutation Database (HGMD: prior to June 1st, 2018), and was therefore a candidate for classification through an automated scoring system. Utilizing variant allele frequency, disease prevalence and penetrance estimates, and inheritance mode, an automated score was calculated to assess if this variant is too frequent to cause the disease. Based on the score and internal cut-off values, a variant classified as likely benign is not then subjected to further curation. The score for this variant resulted in a classification of likely benign for this disease.

Natera, Inc.
Classification: Likely benign for Bare lymphocyte syndrome type II. Last evaluated: 2020-04-24. Review status: no assertion criteria provided. Collection method: clinical testing. Allele origin: germline. Not counted in ClinVar's aggregate classification.

Dr. Peter K. Rogan Lab, Western University
No classification provided (evidence only). Condition: Hepatocellular carcinoma. Review status: no classification provided. Collection method: in vitro. Allele origin: not applicable. Functional consequence: retained intron. Not counted in ClinVar's aggregate classification.

Human Evolutionary Genetics, Institut Pasteur
No classification provided. Review status: no classification provided. Collection method: not provided. Allele origin: germline. Not counted in ClinVar's aggregate classification.
ClinVar note: Converted during submission from untested to not provided.